The following is an entry in ClinVar:

ClinVar aggregate classification (germline): Uncertain significance (0 of 4 stars; one submission).

Conditions:
WDR45-related disorder. Also called: WDR45-related condition.

Submission:

PreventionGenetics, part of Exact Sciences
Classification: Uncertain significance for WDR45-related condition. Last evaluated: 2024-09-04. Review status: no assertion criteria provided. Collection method: clinical testing. Allele origin: germline.
Comment: The WDR45 c.976+5G>C variant is predicted to interfere with splicing. To our knowledge, this variant has not been reported in the literature or in a large population database, indicating this variant is rare. A different nucleotide substitution affecting this splice site (c.976+5G>A) has been reported de novo in an individual with developmental disorders (Table S1, McRae et al. 2017. PubMed ID: 28135719). Although we suspect that the c.976+5G>C variant may be pathogenic, at this time, the clinical significance of this variant is uncertain due to the absence of conclusive functional and genetic evidence.

NM_001029896.2(WDR45):c.973+5G>C

Gene: WDR45 (WD repeat domain 45; minus strand). Cytogenetic location: Xp11.23.
Variant type: single nucleotide variant.
Coding change: c.973+5G>C on transcript NM_001029896.2 (MANE Select); 5 bases into the intron after coding-DNA position 973, G replaced by C.
Molecular consequence: intron variant.
Genome position (GRCh38, 1-based): chrX:49,075,131, C>G on the plus strand (G>C on the coding strand, the complement: WDR45 is on the minus strand). VCF-style: chrX-49075131-C-G. GRCh37 (hg19) VCF-style: chrX-48932790-C-G.
Other names: c.976+5G>C (NM_007075.4).
Identifiers: ClinVar variation 3346574 (VCV003346574.1).